The following is an entry in ClinVar:

ClinVar aggregate classification (germline): Benign/Likely benign. Review status: criteria provided, multiple submitters, no conflicts (2 of 4 stars). 3 submissions from 3 submitters: Benign (1); Likely benign (2). Last evaluated 2026-04-23.

Conditions:
Colorectal cancer, susceptibility to, 1. Also called: COLORECTAL ADENOMA AND CANCER, SUSCEPTIBILITY TO; COLORECTAL CANCER, SUSCEPTIBILITY TO, ON CHROMOSOME 9. Identifiers: MedGen C1837315, MONDO:0012132, OMIM 608812.

Submissions (3):

Myriad Genetics, Inc.
Classification: Benign for Colorectal cancer, susceptibility to, 1. Last evaluated: 2026-04-23. Review status: criteria provided, single submitter. Criteria: Myriad Autosomal Dominant, Autosomal Recessive and X-Linked Classification Criteria (2023). Collection method: clinical testing. Allele origin: unknown.
Comment: This variant is considered benign. This variant is a silent/synonymous amino acid change and it is not expected to impact splicing.

Labcorp Genetics (formerly Invitae), Labcorp
Classification: Likely benign. Last evaluated: 2022-06-27. Review status: criteria provided, single submitter. Criteria: Invitae Variant Classification Sherloc (09022015). Collection method: clinical testing. Allele origin: germline.

Ambry Genetics
Classification: Likely benign. Last evaluated: 2022-05-26. Review status: criteria provided, single submitter. Criteria: Ambry Variant Classification Scheme 2023. Collection method: clinical testing. Allele origin: germline.

NM_024642.5(GALNT12):c.357G>A (p.Glu119=)

Gene: GALNT12 (polypeptide N-acetylgalactosaminyltransferase 12; plus strand). Cytogenetic location: 9q22.33.
Variant type: single nucleotide variant.
Coding change: c.357G>A on transcript NM_024642.5 (MANE Select); coding-DNA position 357, G replaced by A.
Protein change: p.Glu119=; no amino-acid change (glutamic acid 119 retained).
Molecular consequence: synonymous variant.
Genome position (GRCh38, 1-based): chr9:98,808,055, G>A. VCF-style: chr9-98808055-G-A. GRCh37 (hg19) VCF-style: chr9-101570337-G-A.
Identifiers: ClinVar variation 1132589 (VCV001132589.12), dbSNP rs2118258548, ClinGen allele CA466647747.